The following is an entry in ClinVar:

ClinVar aggregate classification (germline): Conflicting classifications of pathogenicity. Review status: criteria provided, conflicting classifications (1 of 4 stars). 7 submissions from 7 submitters: Uncertain significance (5); Likely benign (2). Last evaluated 2025-12-29.

Conditions:
Noonan syndrome and Noonan-related syndrome. Identifiers: Orphanet 98733, MedGen C5681679, MONDO:0020297.
Cardiovascular phenotype. Identifiers: MedGen CN230736.
RASopathy. Also called: Noonan spectrum disorder; rasopathies. Identifiers: Orphanet 536391, MedGen C5555857, MONDO:0021060.

Allele frequency attached by ClinVar (database versions not stated): gnomAD 0.00003; gnomAD exomes 0.00004 and 0.00006; TOPMed 0.00004; ExAC 0.00005; ESP Exome Variant Server 0.00008.
gnomAD v4.1: 70 of 1,613,612 alleles (0.0043%); highest among the groups gnomAD compares: Middle Eastern, 0.034%; no homozygotes.

Submissions (7):

Labcorp Genetics (formerly Invitae), Labcorp
Classification: Uncertain significance for RASopathy. Last evaluated: 2025-12-29. Review status: criteria provided, single submitter. Criteria: Invitae Variant Classification Sherloc (09022015). Collection method: clinical testing. Allele origin: germline.
Comment: This sequence change replaces arginine, which is basic and polar, with tryptophan, which is neutral and slightly polar, at codon 186 of the PTPN11 protein (p.Arg186Trp). This variant is present in population databases (rs143433437, gnomAD 0.02%). This missense change has been observed in individuals with myelodysplastic syndrome with multilineage dysplasia and/or Noonan syndrome (PMID: 23624134, 29037749, 37216690). This missense change has been observed on the opposite chromosome (in trans) from a pathogenic variant in PTPN11 in at least one individual (internal data), which suggests that this variant may not be disease-causing. ClinVar contains an entry for this variant (Variation ID: 44609). Invitae Evidence Modeling of protein sequence and biophysical properties (such as structural, functional, and spatial information, amino acid conservation, physicochemical variation, residue mobility, and thermodynamic stability) has been performed for this missense variant. However, the output from this modeling did not meet the statistical confidence thresholds required to predict the impact of this variant on PTPN11 protein function. In summary, the available evidence is currently insufficient to determine the role of this variant in disease. Therefore, it has been classified as a Variant of Uncertain Significance.

ARUP Laboratories, Molecular Genetics and Genomics, ARUP Laboratories
Classification: Uncertain significance. Last evaluated: 2023-09-25. Review status: criteria provided, single submitter. Criteria: ARUP Molecular Germline Variant Investigation Process 2024. Collection method: clinical testing. Allele origin: germline.
Comment: The PTPN11 c.556C>T; p.Arg186Trp variant (rs143433437) is reported in the literature in individuals affected with Noonan syndrome and hypertrophic cardiomyopathy (Bertelloni 2013, Perrino 2018, Sepp 2022). This variant is reported in ClinVar (Variation ID: 44609), and is found in the general population with an overall allele frequency of 0.006% (17/282,468 alleles) in the Genome Aggregation Database. Computational analyses are uncertain whether this variant is neutral or deleterious (REVEL: 0.587). Due to limited information, the clinical significance of this variant is uncertain at this time. References: Bertelloni S et al. IGF-I generation test in prepubertal children with Noonan syndrome due to mutations in the PTPN11 gene. Hormones (Athens). 2013 Jan-Mar;12(1):86-92. PMID: 23624134. Perrino F et al. Psychopathological features in Noonan syndrome. Eur J Paediatr Neurol. 2018 Jan;22(1):170-177. PMID: 29037749. Sepp R et al. The Genetic Architecture of Hypertrophic Cardiomyopathy in Hungary: Analysis of 242 Patients with a Panel of 98 Genes. Diagnostics (Basel). 2022 May 3;12(5):1132. PMID: 35626289.

Ambry Genetics
Classification: Likely benign for Cardiovascular phenotype. Last evaluated: 2019-10-28. Review status: criteria provided, single submitter. Criteria: Ambry Variant Classification Scheme 2023. Collection method: clinical testing. Allele origin: germline.

GeneDx
Classification: Uncertain significance. Last evaluated: 2018-11-21. Review status: criteria provided, single submitter. Criteria: GeneDx Variant Classification Process June 2021. Collection method: clinical testing. Allele origin: germline. Affected: yes.
Comment: The majority of missense variants in this gene are considered pathogenic; In silico analysis, which includes protein predictors and evolutionary conservation, supports a deleterious effect; This variant is associated with the following publications: (PMID: 29037749, 28378436, 27884173, 23624134)

Women's Health and Genetics/Laboratory Corporation of America, LabCorp
Classification: Likely benign. Last evaluated: 2018-07-30. Review status: criteria provided, single submitter. Criteria: LabCorp Variant Classification Summary - May 2015. Collection method: clinical testing. Allele origin: germline.
Comment: Variant summary: PTPN11 c.556C>T (p.Arg186Trp) results in a non-conservative amino acid change located in the SH2 domain (IPR000980) of the encoded protein sequence. Five of five in-silico tools predict a damaging effect of the variant on protein function. The variant allele was found at a frequency of 6.9e-05 in 276808 control chromosomes (gnomAD). The observed variant frequency is approximately equal to the estimated maximal expected allele frequency for a pathogenic variant in PTPN11 causing Noonan Syndrome and Related Conditions phenotype (6.3e-05), suggesting that the variant is benign. The variant, c.556C>T, has been reported in the literature in individuals affected with Noonan Syndrome and Related Conditions (Bertelloni_2013, Perrino_2018). These data do not allow any conclusion about variant significance since segregation analysis was not done and it is unclear if other, recently identified NS-related genes, such as MEK1, CBL, RIT1, SOS2, RRAS, LZTR1 and PPP1CB, were screened for mutations in these two patients. To our knowledge, no experimental evidence demonstrating an impact on protein function has been reported. No clinical diagnostic laboratories have submitted clinical-significance assessments for this variant to ClinVar after 2014. Based on the evidence outlined above, the variant was classified as likely benign.

Genome Diagnostics Laboratory, The Hospital for Sick Children
Classification: Uncertain significance for Noonan syndrome and Noonan-related syndrome. Last evaluated: 2016-12-12. Review status: criteria provided, single submitter. Criteria: ACMG Guidelines, 2015. Collection method: clinical testing. Allele origin: germline.

Laboratory for Molecular Medicine, Mass General Brigham Personalized Medicine
Classification: Uncertain significance. Last evaluated: 2009-11-02. Review status: criteria provided, single submitter. Criteria: LMM Criteria. Collection method: clinical testing. Allele origin: germline. Observed: 1 variant allele.

Literature cited by the submitters: PubMed 23624134 (cited by Labcorp Genetics (formerly Invitae), Labcorp and Women's Health and Genetics/Laboratory Corporation of America, LabCorp); PubMed 29037749 (cited by 3 submitters); PubMed 37216690 (cited by Labcorp Genetics (formerly Invitae), Labcorp); PubMed 28378436 (cited by Ambry Genetics).

NM_002834.5(PTPN11):c.556C>T (p.Arg186Trp)

Gene: PTPN11 (protein tyrosine phosphatase non-receptor type 11; plus strand). Cytogenetic location: 12q24.13.
Variant type: single nucleotide variant.
Coding change: c.556C>T on transcript NM_002834.5 (MANE Select); coding-DNA position 556, C replaced by T.
Protein change: p.Arg186Trp; replaces arginine 186 with tryptophan.
Molecular consequence: missense variant.
Genome position (GRCh38, 1-based): chr12:112,454,594, C>T. VCF-style: chr12-112454594-C-T. GRCh37 (hg19) VCF-style: chr12-112892398-C-T.
Other names: c.556C>T, p.Arg186Trp (NM_001330437.2, NM_080601.3); c.553C>T, p.Arg185Trp (NM_001374625.1); short protein forms R186W, R185W.
Identifiers: ClinVar variation 44609 (VCV000044609.26), dbSNP rs143433437, ClinGen allele CA134673.
Genomic context (GRCh38, chr12:112,454,594, plus strand): 5'-ATAATAAATGTCATGTGTTTATCTTGAAAGGAACTGAAATACGACGTTGGTGGAGGAGAA[C>T]GGTTTGATTCTTTGACAGATCTTGTGGAACATTATAAGAAGAATCCTATGGTGGAAACAT-3'
Protein context (NP_002825.3, residues 176-196): ELKYDVGGGE[Arg186Trp]FDSLTDLVEH